The following is an entry in ClinVar:

ClinVar aggregate classification (germline): Uncertain significance. Review status: criteria provided, multiple submitters, no conflicts (2 of 4 stars). 2 submissions from 2 submitters: Uncertain significance (2). Last evaluated 2025-09-10.

Conditions:
Floating-Harbor syndrome (FLHS). Also called: SRCAP-Related Floating-Harbor Syndrome; Short stature with delayed bone age, expressive language delay, a triangular face with a prominent nose and deep-set eyes; Pelletier-Leisti syndrome. Identifiers: Orphanet 2044, MedGen C0729582, MONDO:0007621, OMIM 136140.
Developmental delay, hypotonia, musculoskeletal defects, and behavioral abnormalities. Identifiers: MedGen C5562012, MONDO:0859202, OMIM 619595.

Allele frequency attached by ClinVar (database versions not stated): gnomAD exomes 0.00001; TOPMed 0.00002; ExAC 0.00005; gnomAD 0.00005; 1000 Genomes Project 30x 0.00031; 1000 Genomes Project 0.00040.

Submissions (2):

Labcorp Genetics (formerly Invitae), Labcorp
Classification: Uncertain significance. Last evaluated: 2025-09-10. Review status: criteria provided, single submitter. Criteria: Invitae Variant Classification Sherloc (09022015). Collection method: clinical testing. Allele origin: germline.
Comment: This sequence change replaces valine, which is neutral and non-polar, with leucine, which is neutral and non-polar, at codon 2778 of the SRCAP protein (p.Val2778Leu). This variant is present in population databases (rs199502826, gnomAD 0.06%). This variant has not been reported in the literature in individuals affected with SRCAP-related conditions. ClinVar contains an entry for this variant (Variation ID: 2030517). Invitae Evidence Modeling of protein sequence and biophysical properties (such as structural, functional, and spatial information, amino acid conservation, physicochemical variation, residue mobility, and thermodynamic stability) indicates that this missense variant is not expected to disrupt SRCAP protein function with a negative predictive value of 80%. In summary, the available evidence is currently insufficient to determine the role of this variant in disease. Therefore, it has been classified as a Variant of Uncertain Significance.

Fulgent Genetics
Classification: Uncertain significance for Floating-Harbor syndrome; Developmental delay, hypotonia, musculoskeletal defects, and behavioral abnormalities. Last evaluated: 2024-05-10. Review status: criteria provided, single submitter. Criteria: ACMG Guidelines, 2015. Collection method: clinical testing. Allele origin: germline.

NM_006662.3(SRCAP):c.8332G>C (p.Val2778Leu)

Gene: SRCAP (Snf2 related CREBBP activator protein; plus strand). Cytogenetic location: 16p11.2.
Variant type: single nucleotide variant.
Coding change: c.8332G>C on transcript NM_006662.3 (MANE Select); coding-DNA position 8332, G replaced by C.
Protein change: p.Val2778Leu; replaces valine 2778 with leucine.
Molecular consequence: missense variant.
Genome position (GRCh38, 1-based): chr16:30,738,372, G>C. VCF-style: chr16-30738372-G-C. GRCh37 (hg19) VCF-style: chr16-30749693-G-C.
Other names: short protein forms V2778L.
Identifiers: ClinVar variation 2030517 (VCV002030517.5), dbSNP rs199502826, ClinGen allele CA8012665.